The following is an entry in ClinVar:

ClinVar aggregate classification (germline): Uncertain significance (1 of 4 stars; one submission).

Allele frequency attached by ClinVar (database versions not stated): 1000 Genomes Project 0.00040; 1000 Genomes Project 30x 0.00047.
gnomAD v4.1: 33 of 1,580,594 alleles (0.0021%); highest among the groups gnomAD compares: East Asian, 0.064%; no homozygotes.

Submission:

Labcorp Genetics (formerly Invitae), Labcorp
Classification: Uncertain significance. Last evaluated: 2021-12-25. Review status: criteria provided, single submitter. Criteria: Invitae Variant Classification Sherloc (09022015). Collection method: clinical testing. Allele origin: germline.
Comment: This sequence change falls in intron 6 of the SULT2B1 gene. It does not directly change the encoded amino acid sequence of the SULT2B1 protein. It affects a nucleotide within the consensus splice site. This variant is present in population databases (rs549027793, gnomAD 0.1%). This variant has not been reported in the literature in individuals affected with SULT2B1-related conditions. Variants that disrupt the consensus splice site are a relatively common cause of aberrant splicing (PMID: 17576681, 9536098). Algorithms developed to predict the effect of sequence changes on RNA splicing suggest that this variant may disrupt the consensus splice site. In summary, the available evidence is currently insufficient to determine the role of this variant in disease. Therefore, it has been classified as a Variant of Uncertain Significance.

Literature cited by the submitters: PubMed 17576681; PubMed 9536098.

NM_177973.2(SULT2B1):c.826+4C>T

Gene: SULT2B1 (sulfotransferase family 2B member 1; plus strand). Cytogenetic location: 19q13.33.
Variant type: single nucleotide variant.
Coding change: c.826+4C>T on transcript NM_177973.2 (MANE Select); 4 bases into the intron after coding-DNA position 826, C replaced by T.
Molecular consequence: intron variant.
Genome position (GRCh38, 1-based): chr19:48,596,923, C>T. VCF-style: chr19-48596923-C-T. GRCh37 (hg19) VCF-style: chr19-49100180-C-T.
Other names: c.781+4C>T (NM_004605.2).
Identifiers: ClinVar variation 2416791 (VCV002416791.6), dbSNP rs549027793, ClinGen allele CA9553226.